The following is an entry in ClinVar:

NM_001077525.3(MTMR14):c.797A>T (p.Glu266Val)

Gene: MTMR14 (myotubularin related protein 14; plus strand). Cytogenetic location: 3p25.3.
Variant type: single nucleotide variant.
Coding change: c.797A>T on transcript NM_001077525.3 (MANE Select); coding-DNA position 797, A replaced by T.
Protein change: p.Glu266Val; replaces glutamic acid 266 with valine.
Molecular consequence: missense variant. On other transcripts: non-coding transcript variant (6), intron variant (4).
Genome position (GRCh38, 1-based): chr3:9,677,362, A>T. VCF-style: chr3-9677362-A-T. GRCh37 (hg19) VCF-style: chr3-9719046-A-T.
Other names: c.515A>T, p.Glu172Val (NM_001400532.1, NM_001400537.1, NM_001400525.1 and 1 more transcripts); c.155A>T, p.Glu52Val (NM_001400533.1, NM_001400534.1, NM_001400535.1 and 9 more transcripts); c.551A>T, p.Glu184Val (NM_001400536.1, NM_001400524.1, NM_001400527.1 and 1 more transcripts); c.797A>T, p.Glu266Val (NM_001077526.3, NM_001400520.1, NM_022485.5 and 2 more transcripts); c.866A>T, p.Glu289Val (NM_001400518.1, NM_001400521.1, NM_001400526.1); c.794A>T, p.Glu265Val (NM_001400519.1, NM_001400522.1); c.36+4604A>T (NM_001400547.1, NM_001400548.1, NM_001400544.1 and 1 more transcripts); c.548A>T, p.Glu183Val (NM_001400531.1); short protein forms E172V, E183V, E184V, E265V, E266V, E289V, E52V.
Identifiers: ClinVar variation 3026742 (VCV003026742.22), dbSNP rs2470753064, ClinGen allele CA351686685.

ClinVar aggregate classification (germline): Uncertain significance (1 of 4 stars; one submission).

Submission:

CeGaT Center for Human Genetics Tuebingen
Classification: Uncertain significance. Last evaluated: 2023-12-01. Review status: criteria provided, single submitter. Criteria: CeGaT Center For Human Genetics Tuebingen Variant Classification Criteria Version 2. Collection method: clinical testing. Allele origin: germline. Affected: yes. Observed: 1 variant allele.
Comment: MTMR14: PM2